The following is an entry in ClinVar:

NM_003640.5(ELP1):c.3219_3220del (p.Gln1074fs)

Gene: ELP1 (elongator acetyltransferase complex subunit 1; minus strand). Cytogenetic location: 9q31.3.
Variant type: Deletion.
Coding change: c.3219_3220del on transcript NM_003640.5 (MANE Select); coding-DNA positions 3219 to 3220, 2 bases deleted (CC; older notation c.3219_3220delCC).
Protein change: p.Gln1074fs; shifts the reading frame from glutamine 1074.
Molecular consequence: frameshift variant.
Genome position (GRCh38, 1-based): chr9:108,889,334-108,889,335, GG deleted on the plus strand (CC on the coding strand, the reverse complement: ELP1 is on the minus strand); deleting any 2 consecutive bases within chr9:108,889,334-108,889,336 gives the same sequence; the c. name uses the placement nearest the transcript's 3' end. VCF-style (leftmost placement, unchanged base first): chr9-108889333-TGG-T. GRCh37 (hg19) VCF-style: chr9-111651613-TGG-T.
Other names: c.2877_2878del, p.Gln960fs (NM_001318360.2); c.2172_2173del, p.Gln725fs (NM_001330749.2); short protein forms Q1074fs, Q725fs, Q960fs.
Identifiers: ClinVar variation 1725011 (VCV001725011.2), dbSNP rs2537875027, ClinGen allele CA2580079344.

ClinVar aggregate classification (germline): Likely pathogenic (1 of 4 stars; one submission).

Conditions:
Familial dysautonomia. Also called: HSAN III; FD. Identifiers: Orphanet 1764, MedGen C0013364, MONDO:0009131, OMIM 223900. Disease mechanism: loss of function.

Submission:

Myriad Genetics, Inc.
Classification: Likely pathogenic for Familial dysautonomia. Last evaluated: 2022-03-04. Review status: criteria provided, single submitter. Criteria: Myriad Women's Health Autosomal Recessive and X-Linked Classification Criteria (2021). Collection method: clinical testing. Allele origin: unknown.
Comment: NM_003640.3(ELP1):c.3219_3220delCC(Q1074Gfs*3) is expected to be pathogenic in the context of familial dysautonomia. This variant is predicted to lead to an abnormal or absent protein product due to the creation of a premature termination codon in ELP1, a gene where loss-of-function variants are known to be pathogenic. Please note: this variant was assessed in the context of healthy population screening.